The following is an entry in ClinVar:

NM_003242.6(TGFBR2):c.1373C>T (p.Thr458Ile)

Gene: TGFBR2 (transforming growth factor beta receptor 2; plus strand). Cytogenetic location: 3p24.1.
Variant type: single nucleotide variant.
Coding change: c.1373C>T on transcript NM_003242.6 (MANE Select); coding-DNA position 1373, C replaced by T.
Protein change: p.Thr458Ile; replaces threonine 458 with isoleucine.
Molecular consequence: missense variant.
Genome position (GRCh38, 1-based): chr3:30,674,223, C>T. VCF-style: chr3-30674223-C-T. GRCh37 (hg19) VCF-style: chr3-30715715-C-T.
Other names: c.1268C>T, p.Thr423Ile (NM_001407135.1, NM_001407136.1, NM_001407132.1 and 2 more transcripts); c.1088C>T, p.Thr363Ile (NM_001407137.1); c.1013C>T, p.Thr338Ile (NM_001407138.1); c.1448C>T, p.Thr483Ile (NM_001024847.3); c.1556C>T, p.Thr519Ile (NM_001407126.1); c.1481C>T, p.Thr494Ile (NM_001407127.1); c.1400C>T, p.Thr467Ile (NM_001407128.1); c.1376C>T, p.Thr459Ile (NM_001407129.1); and 1 more; short protein forms T483I, T458I, T363I, T423I, T467I, T494I, T519I, T338I.
Identifiers: ClinVar variation 928228 (VCV000928228.7), dbSNP rs1699394098, ClinGen allele CA351809129.
Genomic context (GRCh38, chr3:30,674,223, plus strand): 5'-ATGTTGAGTCCTTCAAGCAGACCGATGTCTACTCCATGGCTCTGGTGCTCTGGGAAATGA[C>T]ATCTCGCTGTAATGCAGTGGGAGGTAGGTGTGGACCAGCATCATTGTGTAGTGGTAAACT-3'
Protein context (NP_003233.4, residues 448-468): YSMALVLWEM[Thr458Ile]SRCNAVGEVK

ClinVar aggregate classification (germline): Uncertain significance. Review status: criteria provided, multiple submitters, no conflicts (2 of 4 stars). 2 submissions from 2 submitters: Uncertain significance (2). Last evaluated 2023-12-18.

Conditions:
Familial thoracic aortic aneurysm and aortic dissection (TAAD). Also called: Thoracic aortic aneurysms and dissections. Identifiers: Orphanet 91387, MedGen C4707243, MONDO:0019625.
Loeys-Dietz syndrome 2 (LDS2). Also called: Marfan syndrome, type 2 (formerly); Marfan Syndrome type 2; Marfan like connective tissue disorder; MFS 2; AORTIC ANEURYSM, FAMILIAL THORACIC 3; MARFAN SYNDROME, TYPE II. Identifiers: Orphanet 284973, Orphanet 558, MedGen C2674574, MONDO:0012427, OMIM 610168.

Submissions (2):

All of Us Research Program, National Institutes of Health
Classification: Uncertain significance for Loeys-Dietz syndrome 2. Last evaluated: 2023-12-18. Review status: criteria provided, single submitter. Criteria: ACMG Guidelines, 2015. Collection method: clinical testing. Allele origin: germline. Inheritance: Autosomal dominant inheritance. Observed: 1 variant allele, 1 heterozygote.
Comment: Variant of Uncertain Significance due to insufficient evidence: This missense variant replaces threonine with isoleucine at codon 483 of the TGFBR2 protein. Computational prediction tools and conservation analyses are inconclusive regarding the impact of this variant on the protein function. Computational splicing tools suggest that this variant may not impact RNA splicing. To our knowledge, functional assays have not been performed for this variant nor has this variant been reported in individuals affected with cardiovascular disorders in the literature. This variant has not been identified in the general population by the Genome Aggregation Database (gnomAD). Available evidence is insufficient to determine the role of this variant in disease conclusively.

This study involves interpretation of variants in research participants for the purpose of population health screening. Participant phenotype was not available at the time of variant classification. Additional details can be found in publication PMID: 35346344, PMCID: PMC8962531

Color Diagnostics, LLC DBA Color Health
Classification: Uncertain significance for Familial thoracic aortic aneurysm and aortic dissection. Last evaluated: 2023-12-04. Review status: criteria provided, single submitter. Criteria: ACMG Guidelines, 2015. Collection method: clinical testing. Allele origin: germline.
Comment: Variant of Uncertain Significance due to insufficient evidence: This missense variant replaces threonine with isoleucine at codon 483 of the TGFBR2 protein. Computational prediction tools and conservation analyses are inconclusive regarding the impact of this variant on the protein function. Computational splicing tools suggest that this variant may not impact RNA splicing. To our knowledge, functional assays have not been performed for this variant nor has this variant been reported in individuals affected with cardiovascular disorders in the literature. This variant has not been identified in the general population by the Genome Aggregation Database (gnomAD). Available evidence is insufficient to determine the role of this variant in disease conclusively.